The following is an entry in ClinVar:

ClinVar aggregate classification (germline): Benign/Likely benign. Review status: criteria provided, multiple submitters, no conflicts (2 of 4 stars). 3 submissions from 3 submitters: Benign (2); Likely benign (1). Last evaluated 2023-03-01.

Allele frequency attached by ClinVar (database versions not stated): gnomAD exomes 0.00030 and 0.00072; 1000 Genomes Project 0.00120; ExAC 0.00129; gnomAD 0.00149 and 0.00158; TOPMed 0.00158; 1000 Genomes Project 30x 0.00172; ESP Exome Variant Server 0.00209.
gnomAD v4.1: 665 of 1,605,056 alleles (0.041%); highest among the groups gnomAD compares: African/African-American, 0.49%; no homozygotes.

Submissions (3):

CeGaT Center for Human Genetics Tuebingen
Classification: Likely benign. Last evaluated: 2023-03-01. Review status: criteria provided, single submitter. Criteria: CeGaT Center For Human Genetics Tuebingen Variant Classification Criteria Version 2. Collection method: clinical testing. Allele origin: germline. Affected: yes. Observed: 1 variant allele.
Comment: ARVCF: BP4, BP7

Labcorp Genetics (formerly Invitae), Labcorp
Classification: Benign. Last evaluated: 2017-05-30. Review status: criteria provided, single submitter. Criteria: Invitae Variant Classification Sherloc (09022015). Collection method: clinical testing. Allele origin: germline.

Breakthrough Genomics
Classification: Benign. Review status: criteria provided, single submitter. Criteria: ACMG Guidelines, 2015. Collection method: not provided. Allele origin: germline. Inheritance: Unknown mechanism. Affected: yes.

NM_001670.3(ARVCF):c.774G>A (p.Pro258=)

Gene: ARVCF (ARVCF delta catenin family member; minus strand). Cytogenetic location: 22q11.21.
Variant type: single nucleotide variant.
Coding change: c.774G>A on transcript NM_001670.3 (MANE Select); coding-DNA position 774, G replaced by A.
Protein change: p.Pro258=; no amino-acid change (proline 258 retained).
Molecular consequence: synonymous variant.
Genome position (GRCh38, 1-based): chr22:19,981,333, C>T on the plus strand (G>A on the coding strand, the complement: ARVCF is on the minus strand). VCF-style: chr22-19981333-C-T. GRCh37 (hg19) VCF-style: chr22-19968856-C-T.
Identifiers: ClinVar variation 778914 (VCV000778914.28), dbSNP rs146350744, ClinGen allele CA10105801.